The following is an entry in ClinVar:

ClinVar aggregate classification (germline): Uncertain significance (1 of 4 stars; one submission).

Conditions:
Epilepsy, familial adult myoclonic, 5 (EPEO5). Also called: CORTICAL MYOCLONIC TREMOR WITH EPILEPSY, FAMILIAL, 5. Identifiers: Orphanet 86814, MedGen C3809374, MONDO:0014167, OMIM 615400.

Allele frequency attached by ClinVar (database versions not stated): gnomAD exomes below 0.00001; ExAC 0.00001; TOPMed 0.00001.
gnomAD v4.1: 4 of 1,613,922 alleles (0.00025%); highest among the groups gnomAD compares: South Asian, 0.0033%; no homozygotes.

Submission:

Labcorp Genetics (formerly Invitae), Labcorp
Classification: Uncertain significance for Epilepsy, familial adult myoclonic, 5. Last evaluated: 2024-12-22. Review status: criteria provided, single submitter. Criteria: Invitae Variant Classification Sherloc (09022015). Collection method: clinical testing. Allele origin: germline.
Comment: This sequence change replaces proline, which is neutral and non-polar, with leucine, which is neutral and non-polar, at codon 912 of the CNTN2 protein (p.Pro912Leu). This variant is present in population databases (rs777653447, gnomAD 0.003%). This variant has not been reported in the literature in individuals affected with CNTN2-related conditions. ClinVar contains an entry for this variant (Variation ID: 1437043). Invitae Evidence Modeling of protein sequence and biophysical properties (such as structural, functional, and spatial information, amino acid conservation, physicochemical variation, residue mobility, and thermodynamic stability) indicates that this missense variant is not expected to disrupt CNTN2 protein function with a negative predictive value of 95%. In summary, the available evidence is currently insufficient to determine the role of this variant in disease. Therefore, it has been classified as a Variant of Uncertain Significance.

NM_005076.5(CNTN2):c.2735C>T (p.Pro912Leu)

Genes: CNTN2 (contactin 2; plus strand), LOC126805985 (MED14-independent group 3 enhancer GRCh37_chr1:205041546-205042745; plus strand). Cytogenetic location: 1q32.1.
Variant type: single nucleotide variant.
Coding change: c.2735C>T on transcript NM_005076.5 (MANE Select); coding-DNA position 2735, C replaced by T.
Protein change: p.Pro912Leu; replaces proline 912 with leucine.
Molecular consequence: missense variant. On other transcripts: non-coding transcript variant (1).
Genome position (GRCh38, 1-based): chr1:205,072,486, C>T. VCF-style: chr1-205072486-C-T. GRCh37 (hg19) VCF-style: chr1-205041614-C-T.
Other names: c.2735C>T, p.Pro912Leu (NM_001346083.2); short protein forms P912L.
Identifiers: ClinVar variation 1437043 (VCV001437043.10), dbSNP rs777653447, ClinGen allele CA1351786.
Genomic context (GRCh38, chr1:205,072,486, plus strand): 5'-GGGTGCGGGGTGCCAGGGAAACGTTTGGACATCTCTCCAATTCTTCCTCTCTGGCAGCTC[C>T]GCGGCGACCTCCTGGCAACATCTCCTGGACTTTCTCAAGCTCTAGTCTTAGCATTAAGTG-3'
Protein context (NP_005067.1, residues 902-922): SANATTMKPP[Pro912Leu]RRPPGNISWT